The following is an entry in ClinVar:

NM_004994.3(MMP9):c.1302C>A (p.Asp434Glu)

Gene: MMP9 (matrix metallopeptidase 9; plus strand). Cytogenetic location: 20q13.12.
Variant type: single nucleotide variant.
Coding change: c.1302C>A on transcript NM_004994.3 (MANE Select); coding-DNA position 1302, C replaced by A.
Protein change: p.Asp434Glu; replaces aspartic acid 434 with glutamic acid.
Molecular consequence: missense variant.
Genome position (GRCh38, 1-based): chr20:46,012,554, C>A. VCF-style: chr20-46012554-C-A. GRCh37 (hg19) VCF-style: chr20-44641193-C-A.
Other names: short protein forms D434E.
Identifiers: ClinVar variation 1437221 (VCV001437221.6), dbSNP rs1424297375, ClinGen allele CA409219105.

ClinVar aggregate classification (germline): Uncertain significance (1 of 4 stars; one submission).

Allele frequency attached by ClinVar (database versions not stated): TOPMed below 0.00001; gnomAD exomes 0.00001.
gnomAD v4.1: 9 of 1,613,688 alleles (0.00056%); highest among the groups gnomAD compares: Non-Finnish European, 0.00076%; no homozygotes.

Submission:

Labcorp Genetics (formerly Invitae), Labcorp
Classification: Uncertain significance. Last evaluated: 2021-08-16. Review status: criteria provided, single submitter. Criteria: Invitae Variant Classification Sherloc (09022015). Collection method: clinical testing. Allele origin: germline.
Comment: This variant has not been reported in the literature in individuals affected with MMP9-related conditions. This sequence change replaces aspartic acid with glutamic acid at codon 434 of the MMP9 protein (p.Asp434Glu). The aspartic acid residue is highly conserved and there is a small physicochemical difference between aspartic acid and glutamic acid. This variant is not present in population databases (ExAC no frequency). Algorithms developed to predict the effect of missense changes on protein structure and function are either unavailable or do not agree on the potential impact of this missense change (SIFT: "Tolerated"; PolyPhen-2: "Possibly Damaging"; Align-GVGD: "Class C0"). In summary, the available evidence is currently insufficient to determine the role of this variant in disease. Therefore, it has been classified as a Variant of Uncertain Significance.